The following is an entry in ClinVar:

ClinVar aggregate classification (germline): Conflicting classifications of pathogenicity. Review status: criteria provided, conflicting classifications (1 of 4 stars). 4 submissions from 4 submitters: Pathogenic (1); Likely pathogenic (2); Uncertain significance (1). Last evaluated 2026-01-08.

Conditions:
POLE-related disorder. Also called: POLE-related condition; POLE-related disorders.
Hereditary cancer-predisposing syndrome. Also called: Tumor predisposition; Hereditary neoplastic syndrome; Hereditary Cancer Syndrome; Neoplastic Syndromes, Hereditary. Identifiers: Orphanet 140162, MedGen C0027672, MeSH D009386, MONDO:0015356.

Allele frequency attached by ClinVar (database versions not stated): gnomAD exomes below 0.00001; TOPMed 0.00001; gnomAD 0.00002.

Submissions (4):

Ambry Genetics
Classification: Uncertain significance for Hereditary cancer-predisposing syndrome. Last evaluated: 2026-01-08. Review status: criteria provided, single submitter. Criteria: Ambry Variant Classification Scheme 2023. Collection method: clinical testing. Allele origin: germline.
Comment: The c.270delC variant, located in coding exon 3 of the POLE gene, results from a deletion of one nucleotide at nucleotide position 270, causing a translational frameshift with a predicted alternate stop codon (p.D90Efs*59). This alteration is expected to result in loss of function by premature protein truncation or nonsense-mediated mRNA decay. Although biallelic loss of function of POLE has been associated with autosomal recessive POLE deficiency, haploinsufficiency of POLE has not been established as a mechanism of disease for POLE-related polymerase proofreading-associated polyposis (PPAP) and POLE-related CMMRD-like syndrome. Based on the supporting evidence, this variant is expected to be causative of POLE deficiency when present along with a second pathogenic variant on the other allele; however, its clinical significance for PPAP and POLE-related CMMRD-like syndrome is unclear.

Labcorp Genetics (formerly Invitae), Labcorp
Classification: Pathogenic. Last evaluated: 2025-01-21. Review status: criteria provided, single submitter. Criteria: Invitae Variant Classification Sherloc (09022015). Collection method: clinical testing. Allele origin: germline.
Comment: This sequence change creates a premature translational stop signal (p.Asp90Glufs*59) in the POLE gene. It is expected to result in an absent or disrupted protein product. Loss-of-function variants in POLE are known to be pathogenic (PMID: 23230001, 25948378, 30503519). This variant is present in population databases (no rsID available, gnomAD 0.007%). This variant has not been reported in the literature in individuals affected with POLE-related conditions. ClinVar contains an entry for this variant (Variation ID: 240441). For these reasons, this variant has been classified as Pathogenic.

GeneDx
Classification: Likely pathogenic. Last evaluated: 2024-11-08. Review status: criteria provided, single submitter. Criteria: GeneDx Variant Classification Process June 2021. Collection method: clinical testing. Allele origin: germline. Affected: yes.
Comment: Frameshift variant predicted to result in protein truncation or nonsense mediated decay in a gene for which loss of function is a known mechanism of disease; Not observed at significant frequency in large population cohorts (gnomAD); Has not been previously published as pathogenic or benign to our knowledge

PreventionGenetics, part of Exact Sciences
Classification: Likely pathogenic for POLE-related condition. Last evaluated: 2023-08-29. Review status: criteria provided, single submitter. Criteria: ACMG Guidelines, 2015. Collection method: clinical testing. Allele origin: germline.
Comment: The POLE c.270delC variant is predicted to result in a frameshift and premature protein termination (p.Asp90Glufs*59). To our knowledge, this variant has not been reported in the literature. This variant is reported in 0.0065% of alleles in individuals of European (Non-Finnish) descent in gnomAD. It has conflicting interpretations of uncertain, likely pathogenic, and pathogenic in ClinVar. Frameshift variants in POLE are expected to be pathogenic for autosomal recessive IMAGe-I syndrome. This variant is interpreted as likely pathogenic for autosomal recessive IMAGe-I syndrome and as a variant of uncertain significance for autosomal dominant POLE-associated disorders.

Literature cited by the submitters: PubMed 23230001 (cited by Labcorp Genetics (formerly Invitae), Labcorp); PubMed 25948378 (cited by Labcorp Genetics (formerly Invitae), Labcorp); PubMed 30503519 (cited by Labcorp Genetics (formerly Invitae), Labcorp).

NM_006231.4(POLE):c.270del (p.Asp90fs)

Gene: POLE (DNA polymerase epsilon, catalytic subunit; minus strand). Cytogenetic location: 12q24.33.
Variant type: Deletion.
Coding change: c.270del on transcript NM_006231.4 (MANE Select); coding-DNA position 270, one base deleted (C; older notation c.270delC).
Protein change: p.Asp90fs; shifts the reading frame from aspartic acid 90.
Molecular consequence: frameshift variant.
Genome position (GRCh38, 1-based): chr12:132,680,622, G deleted on the plus strand (C on the coding strand, the reverse complement: POLE is on the minus strand). VCF-style (leftmost placement, unchanged base first): chr12-132680621-CG-C. GRCh37 (hg19) VCF-style: chr12-133257207-CG-C.
Other names: c.270delC (NM_006231.2, NM_006231.3); c.270del (NM_006231.2); short protein forms D90fs.
Identifiers: ClinVar variation 240441 (VCV000240441.17), dbSNP rs878854854, ClinGen allele CA10583032.